The following is an entry in ClinVar:

ClinVar aggregate classification (germline): Uncertain significance (1 of 4 stars; one submission).

Conditions:
Duchenne muscular dystrophy (DMD). Also called: Duchenne Muscular Dystrophy (DMD); MUSCULAR DYSTROPHY, PSEUDOHYPERTROPHIC PROGRESSIVE, DUCHENNE TYPE. Identifiers: Orphanet 98896, MedGen C0013264, MONDO:0010679, OMIM 310200.

Submission:

Labcorp Genetics (formerly Invitae), Labcorp
Classification: Uncertain significance for Duchenne muscular dystrophy. Last evaluated: 2021-04-23. Review status: criteria provided, single submitter. Criteria: Invitae Variant Classification Sherloc (09022015). Collection method: clinical testing. Allele origin: germline.
Comment: This variant is not present in population databases (ExAC no frequency). This sequence change replaces methionine with leucine at codon 1943 of the DMD protein (p.Met1943Leu). The methionine residue is moderately conserved and there is a small physicochemical difference between methionine and leucine. This variant has not been reported in the literature in individuals with DMD-related conditions. In summary, the available evidence is currently insufficient to determine the role of this variant in disease. Therefore, it has been classified as a Variant of Uncertain Significance. Algorithms developed to predict the effect of missense changes on protein structure and function (SIFT, PolyPhen-2, Align-GVGD) all suggest that this variant is likely to be tolerated, but these predictions have not been confirmed by published functional studies and their clinical significance is uncertain.

NM_004006.3(DMD):c.5827A>T (p.Met1943Leu)

Gene: DMD (dystrophin; minus strand). Cytogenetic location: Xp21.1.
Variant type: single nucleotide variant.
Coding change: c.5827A>T on transcript NM_004006.3 (MANE Select); coding-DNA position 5827, A replaced by T.
Protein change: p.Met1943Leu; replaces methionine 1943 with leucine.
Molecular consequence: missense variant.
Genome position (GRCh38, 1-based): chrX:32,342,195, T>A on the plus strand (A>T on the coding strand, the complement: DMD is on the minus strand). VCF-style: chrX-32342195-T-A. GRCh37 (hg19) VCF-style: chrX-32360312-T-A.
Other names: c.5803A>T, p.Met1935Leu (NM_000109.4); c.5815A>T, p.Met1939Leu (NM_004009.3); c.5458A>T, p.Met1820Leu (NM_004010.3); c.1804A>T, p.Met602Leu (NM_004011.4); c.1795A>T, p.Met599Leu (NM_004012.4); short protein forms M1820L, M599L, M1939L, M1935L, M1943L, M602L.
Identifiers: ClinVar variation 1494301 (VCV001494301.8), dbSNP rs181849614, ClinGen allele CA412665033.